The following is an entry in ClinVar:

ClinVar aggregate classification (germline): Likely pathogenic (1 of 4 stars; one submission).

Submission:

Labcorp Genetics (formerly Invitae), Labcorp
Classification: Likely pathogenic. Last evaluated: 2023-09-26. Review status: criteria provided, single submitter. Criteria: Invitae Variant Classification Sherloc (09022015). Collection method: clinical testing. Allele origin: germline.
Comment: In summary, the currently available evidence indicates that the variant is pathogenic, but additional data are needed to prove that conclusively. Therefore, this variant has been classified as Likely Pathogenic. Algorithms developed to predict the effect of sequence changes on RNA splicing suggest that this variant may disrupt the consensus splice site. This variant has not been reported in the literature in individuals affected with TANGO2-related conditions. This variant is not present in population databases (gnomAD no frequency). This sequence change affects a donor splice site in intron 6 of the TANGO2 gene. It is expected to disrupt RNA splicing. Variants that disrupt the donor or acceptor splice site typically lead to a loss of protein function (PMID: 16199547), and loss-of-function variants in TANGO2 are known to be pathogenic (PMID: 26805781, 26805782).

Literature cited by the submitters: PubMed 16199547; PubMed 26805781; PubMed 26805782.

NM_152906.7(TANGO2):c.451+1G>A

Gene: TANGO2 (transport and golgi organization 2 homolog; plus strand). Cytogenetic location: 22q11.21.
Variant type: single nucleotide variant.
Coding change: c.451+1G>A on transcript NM_152906.7 (MANE Select); the canonical splice donor site of the intron after coding-DNA position 451, G replaced by A.
Molecular consequence: splice donor variant. On other transcripts: intron variant (11).
Genome position (GRCh38, 1-based): chr22:20,056,014, G>A. VCF-style: chr22-20056014-G-A. GRCh37 (hg19) VCF-style: chr22-20043537-G-A.
Other names: c.451+1G>A (NM_001283106.3, NM_001283154.3, NM_001322142.2 and 2 more transcripts); c.265+3430G>A (NM_001322163.2, NM_001283179.3, NM_001322167.2 and 4 more transcripts); c.157+1G>A (NM_001322174.2, NM_001322172.2, NM_001322175.2 and 6 more transcripts); c.349+1G>A (NM_001322160.2, NM_001322146.2, NM_001322148.2); c.574+1G>A (NM_001322143.2, NM_001322141.2, NM_001283129.3 and 2 more transcripts); c.388+3430G>A (NM_001322145.2, NM_001322147.2); c.380+2463G>A (NM_001283199.3); c.503+2463G>A (NM_001322149.2).
Identifiers: ClinVar variation 2759542 (VCV002759542.3), dbSNP rs2518903706, ClinGen allele CA410697904.